The following is an entry in ClinVar:

ClinVar aggregate classification (germline): Conflicting classifications of pathogenicity. Review status: criteria provided, conflicting classifications (1 of 4 stars). 2 submissions from 2 submitters: Uncertain significance (1); Likely benign (1). Last evaluated 2025-09-30.

Conditions:
Cardiovascular phenotype. Identifiers: MedGen CN230736.
Hereditary cancer-predisposing syndrome. Also called: Neoplastic Syndromes, Hereditary; Hereditary neoplastic syndrome; Hereditary Cancer Syndrome; Tumor predisposition. Identifiers: Orphanet 140162, MedGen C0027672, MeSH D009386, MONDO:0015356.
Neurofibromatosis, type 1 (NF1). Also called: NEUROFIBROMATOSIS, TYPE I, SOMATIC; Peripheral type neurofibromatosis; Neurofibromatosis, type I; VON RECKLINGHAUSEN DISEASE. Identifiers: Orphanet 636, MedGen C0027831, MONDO:0018975, OMIM 162200. Disease mechanism: loss of function.

Allele frequency attached by ClinVar (database versions not stated): gnomAD exomes below 0.00001.
gnomAD v4.1: 1 of 1,613,604 alleles (0.000062%); highest among the groups gnomAD compares: Non-Finnish European, 0.000085%; no homozygotes.

Submissions (2):

Ambry Genetics
Classification: Likely benign for Cardiovascular phenotype; Hereditary cancer-predisposing syndrome. Last evaluated: 2025-09-30. Review status: criteria provided, single submitter. Criteria: Ambry Variant Classification Scheme 2023. Collection method: clinical testing. Allele origin: germline.

Labcorp Genetics (formerly Invitae), Labcorp
Classification: Uncertain significance for Neurofibromatosis, type 1. Last evaluated: 2025-04-22. Review status: criteria provided, single submitter. Criteria: Invitae Variant Classification Sherloc (09022015). Collection method: clinical testing. Allele origin: germline.
Comment: This sequence change replaces valine, which is neutral and non-polar, with isoleucine, which is neutral and non-polar, at codon 1686 of the NF1 protein (p.Val1686Ile). This variant is not present in population databases (gnomAD no frequency). This variant has not been reported in the literature in individuals affected with NF1-related conditions. ClinVar contains an entry for this variant (Variation ID: 1398502). Invitae Evidence Modeling of protein sequence and biophysical properties (such as structural, functional, and spatial information, amino acid conservation, physicochemical variation, residue mobility, and thermodynamic stability) indicates that this missense variant is not expected to disrupt NF1 protein function with a negative predictive value of 95%. In summary, the available evidence is currently insufficient to determine the role of this variant in disease. Therefore, it has been classified as a Variant of Uncertain Significance.

NM_001042492.3(NF1):c.5119G>A (p.Val1707Ile)

Gene: NF1 (neurofibromin 1; plus strand). Cytogenetic location: 17q11.2.
Variant type: single nucleotide variant.
Coding change: c.5119G>A on transcript NM_001042492.3 (MANE Select); coding-DNA position 5119, G replaced by A.
Protein change: p.Val1707Ile; replaces valine 1707 with isoleucine.
Molecular consequence: missense variant.
Genome position (GRCh38, 1-based): chr17:31,326,103, G>A. VCF-style: chr17-31326103-G-A. GRCh37 (hg19) VCF-style: chr17-29653121-G-A.
Other names: c.5056G>A, p.Val1686Ile (NM_000267.4); short protein forms V1707I, V1686I.
Identifiers: ClinVar variation 1398502 (VCV001398502.7), dbSNP rs1302949776, ClinGen allele CA399007689.